The following is an entry in ClinVar:

ClinVar aggregate classification (germline): Uncertain significance. Review status: criteria provided, multiple submitters, no conflicts (2 of 4 stars). 2 submissions from 2 submitters: Uncertain significance (2). Last evaluated 2023-12-14.

Conditions:
Inborn genetic diseases. Identifiers: MedGen C0950123, MeSH D030342.
LAMA2-related muscular dystrophy (LAMA2-RD). Also called: Laminin alpha 2-related dystrophy. Identifiers: MedGen C5679788, MONDO:0100228.

Allele frequency attached by ClinVar (database versions not stated): ExAC 0.00003; gnomAD 0.00005 and 0.00006; gnomAD exomes 0.00005; TOPMed 0.00007; ESP Exome Variant Server 0.00015.
gnomAD v4.1: 130 of 1,612,278 alleles (0.0081%); highest among the groups gnomAD compares: Non-Finnish European, 0.01%; no homozygotes.

Submissions (2):

Ambry Genetics
Classification: Uncertain significance for Inborn genetic diseases. Last evaluated: 2023-12-14. Review status: criteria provided, single submitter. Criteria: Ambry Variant Classification Scheme 2023. Collection method: clinical testing. Allele origin: germline.

Labcorp Genetics (formerly Invitae), Labcorp
Classification: Uncertain significance for LAMA2-related muscular dystrophy. Last evaluated: 2022-06-23. Review status: criteria provided, single submitter. Criteria: Invitae Variant Classification Sherloc (09022015). Collection method: clinical testing. Allele origin: germline.
Comment: This sequence change replaces threonine, which is neutral and polar, with isoleucine, which is neutral and non-polar, at codon 2370 of the LAMA2 protein (p.Thr2370Ile). This variant is present in population databases (rs149561195, gnomAD 0.01%). This variant has not been reported in the literature in individuals affected with LAMA2-related conditions. ClinVar contains an entry for this variant (Variation ID: 477501). Advanced modeling of protein sequence and biophysical properties (such as structural, functional, and spatial information, amino acid conservation, physicochemical variation, residue mobility, and thermodynamic stability) performed at Invitae indicates that this missense variant is expected to disrupt LAMA2 protein function. In summary, the available evidence is currently insufficient to determine the role of this variant in disease. Therefore, it has been classified as a Variant of Uncertain Significance.

NM_000426.4(LAMA2):c.7109C>T (p.Thr2370Ile)

Gene: LAMA2 (laminin subunit alpha 2; plus strand). Cytogenetic location: 6q22.33.
Variant type: single nucleotide variant.
Coding change: c.7109C>T on transcript NM_000426.4 (MANE Select); coding-DNA position 7109, C replaced by T.
Protein change: p.Thr2370Ile; replaces threonine 2370 with isoleucine.
Molecular consequence: missense variant.
Genome position (GRCh38, 1-based): chr6:129,464,406, C>T. VCF-style: chr6-129464406-C-T. GRCh37 (hg19) VCF-style: chr6-129785551-C-T.
Other names: c.7109C>T, p.Thr2370Ile (NM_001079823.2); short protein forms T2370I.
Identifiers: ClinVar variation 477501 (VCV000477501.7), dbSNP rs149561195, ClinGen allele CA3994440.